The following is an entry in ClinVar:

ClinVar aggregate classification (germline): Pathogenic/Likely pathogenic. Review status: criteria provided, multiple submitters, no conflicts (2 of 4 stars). 3 submissions from 3 submitters: Pathogenic (1); Likely pathogenic (1). 1 of the submissions does not count toward it. Last evaluated 2026-01-12.

Conditions:
Primary hyperoxaluria type 3. Also called: PH III. Identifiers: Orphanet 416, Orphanet 93600, MedGen C3150878, MONDO:0013327, OMIM 613616. Disease mechanism: loss of function.

Allele frequency attached by ClinVar (database versions not stated): gnomAD 0.00001.
gnomAD v4.1: 32 of 1,614,002 alleles (0.002%); highest among the groups gnomAD compares: Non-Finnish European, 0.0024%; no homozygotes.

Submissions (3):

Labcorp Genetics (formerly Invitae), Labcorp
Classification: Likely pathogenic. Last evaluated: 2026-01-12. Review status: criteria provided, single submitter. Criteria: Invitae Variant Classification Sherloc (09022015). Collection method: clinical testing. Allele origin: germline.
Comment: This sequence change replaces arginine, which is basic and polar, with histidine, which is basic and polar, at codon 97 of the HOGA1 protein (p.Arg97His). This variant is present in population databases (rs752252343, gnomAD 0.004%). This missense change has been observed in individual(s) with hyperoxaluria (PMID: 30488096, 31123811, 37318624). ClinVar contains an entry for this variant (Variation ID: 1479002). Invitae Evidence Modeling of protein sequence and biophysical properties (such as structural, functional, and spatial information, amino acid conservation, physicochemical variation, residue mobility, and thermodynamic stability) has been performed for this missense variant. However, the output from this modeling did not meet the statistical confidence thresholds required to predict the impact of this variant on HOGA1 protein function. This variant disrupts the p.Arg97 amino acid residue in HOGA1. Other variant(s) that disrupt this residue have been determined to be pathogenic (PMID: 2277189, 20797690). This suggests that this residue is clinically significant, and that variants that disrupt this residue are likely to be disease-causing. In summary, the currently available evidence indicates that the variant is pathogenic, but additional data are needed to prove that conclusively. Therefore, this variant has been classified as Likely Pathogenic.

Clinical Biochemistry Laboratory, Health Services Laboratory
Classification: Pathogenic for Primary hyperoxaluria type 3. Last evaluated: 2023-10-27. Review status: criteria provided, single submitter. Criteria: ACMG Guidelines, 2015. Collection method: curation. Allele origin: germline. Affected: yes.
Comment: ACMG:PM1 PM2 PM3 PP3

Chinese Inherited Urolithiasis Consortium, The Affiliated Yantai Yuhuangding Hospital of Qingdao University
Classification: Likely pathogenic for Primary hyperoxaluria type 3. Last evaluated: 2024-08-26. Review status: no assertion criteria provided. Collection method: clinical testing. Allele origin: maternal. Affected: yes. Observed: 1 variant allele. Not counted in ClinVar's aggregate classification.

Literature cited by the submitters: PubMed 30488096 (cited by Labcorp Genetics (formerly Invitae), Labcorp and Clinical Biochemistry Laboratory, Health Services Laboratory); PubMed 31123811 (cited by Labcorp Genetics (formerly Invitae), Labcorp and Clinical Biochemistry Laboratory, Health Services Laboratory); PubMed 37318624 (cited by Labcorp Genetics (formerly Invitae), Labcorp); PubMed 2277189 (cited by Labcorp Genetics (formerly Invitae), Labcorp); PubMed 20797690 (cited by Labcorp Genetics (formerly Invitae), Labcorp).

NM_138413.4(HOGA1):c.290G>A (p.Arg97His)

Gene: HOGA1 (4-hydroxy-2-oxoglutarate aldolase 1; plus strand). Cytogenetic location: 10q24.2.
Variant type: single nucleotide variant.
Coding change: c.290G>A on transcript NM_138413.4 (MANE Select); coding-DNA position 290, G replaced by A.
Protein change: p.Arg97His; replaces arginine 97 with histidine.
Molecular consequence: missense variant. On other transcripts: intron variant (1).
Genome position (GRCh38, 1-based): chr10:97,598,853, G>A. VCF-style: chr10-97598853-G-A. GRCh37 (hg19) VCF-style: chr10-99358610-G-A.
Other names: c.212-3004G>A (NM_001134670.2); short protein forms R97H.
Identifiers: ClinVar variation 1479002 (VCV001479002.7), dbSNP rs752252343, ClinGen allele CA5634039.